The following is an entry in ClinVar:

ClinVar aggregate classification (germline): Uncertain significance. Review status: criteria provided, multiple submitters, no conflicts (2 of 4 stars). 2 submissions from 2 submitters: Uncertain significance (2). Last evaluated 2025-04-01.

gnomAD v4.1: 3 of 1,613,536 alleles (0.00019%); highest among the groups gnomAD compares: Non-Finnish European, 0.00025%; no homozygotes.

Submissions (2):

Ambry Genetics
Classification: Uncertain significance. Last evaluated: 2025-04-01. Review status: criteria provided, single submitter. Criteria: Ambry Variant Classification Scheme 2023. Collection method: clinical testing. Allele origin: germline.
Comment: The p.T587A variant (also known as c.1759A>G), located in coding exon 13 of the GEN1 gene, results from an A to G substitution at nucleotide position 1759. The threonine at codon 587 is replaced by alanine, an amino acid with similar properties. This amino acid position is conserved. In addition, this alteration is predicted to be tolerated by in silico analysis. Based on the available evidence, the clinical significance of this variant remains unclear.

Labcorp Genetics (formerly Invitae), Labcorp
Classification: Uncertain significance. Last evaluated: 2023-12-18. Review status: criteria provided, single submitter. Criteria: Invitae Variant Classification Sherloc (09022015). Collection method: clinical testing. Allele origin: germline.
Comment: This sequence change replaces threonine, which is neutral and polar, with alanine, which is neutral and non-polar, at codon 587 of the GEN1 protein (p.Thr587Ala). This variant is present in population databases (no rsID available, gnomAD 0.0009%). This variant has not been reported in the literature in individuals affected with GEN1-related conditions. Algorithms developed to predict the effect of missense changes on protein structure and function output the following: SIFT: "Not Available"; PolyPhen-2: "Benign"; Align-GVGD: "Not Available". The alanine amino acid residue is found in multiple mammalian species, which suggests that this missense change does not adversely affect protein function. In summary, the available evidence is currently insufficient to determine the role of this variant in disease. Therefore, it has been classified as a Variant of Uncertain Significance.

NM_001130009.3(GEN1):c.1759A>G (p.Thr587Ala)

Gene: GEN1 (GEN1 structure-specific endonuclease; plus strand). Cytogenetic location: 2p24.2.
Variant type: single nucleotide variant.
Coding change: c.1759A>G on transcript NM_001130009.3 (MANE Select); coding-DNA position 1759, A replaced by G.
Protein change: p.Thr587Ala; replaces threonine 587 with alanine.
Molecular consequence: missense variant.
Genome position (GRCh38, 1-based): chr2:17,780,971, A>G. VCF-style: chr2-17780971-A-G. GRCh37 (hg19) VCF-style: chr2-17962238-A-G.
Other names: c.1759A>G (NM_001130009.1); c.1759A>G, p.Thr587Ala (NM_182625.5); short protein forms T587A.
Identifiers: ClinVar variation 2998812 (VCV002998812.4), dbSNP rs1161304540, ClinGen allele CA345926561.